The following is an entry in ClinVar:

ClinVar aggregate classification (germline): Uncertain significance (1 of 4 stars; one submission).

Conditions:
Myoclonic dystonia 11 (DYT11). Also called: DYT-SGCE; Myoclonic dystonia; Dystonia 11; Dystonia, alcohol responsive; Hereditary essential myoclonus; SGCE Myoclonus-Dystonia. Identifiers: Orphanet 36899, MedGen C1834570, MONDO:0008044, OMIM 159900.

Allele frequency attached by ClinVar (database versions not stated): gnomAD 0.00001.
gnomAD v4.1: 1 of 1,613,844 alleles (0.000062%); highest among the groups gnomAD compares: Non-Finnish European, 0.000085%; no homozygotes.

Submission:

Labcorp Genetics (formerly Invitae), Labcorp
Classification: Uncertain significance for Myoclonic dystonia 11. Last evaluated: 2022-02-04. Review status: criteria provided, single submitter. Criteria: Invitae Variant Classification Sherloc (09022015). Collection method: clinical testing. Allele origin: germline.
Comment: This missense change has been observed in individual(s) with SGCE-related conditions (Invitae). In summary, the available evidence is currently insufficient to determine the role of this variant in disease. Therefore, it has been classified as a Variant of Uncertain Significance. Algorithms developed to predict the effect of sequence changes on RNA splicing suggest that this variant may create or strengthen a splice site. Algorithms developed to predict the effect of missense changes on protein structure and function output the following: SIFT: "Tolerated"; PolyPhen-2: "Benign"; Align-GVGD: "Class C0". The arginine amino acid residue is found in multiple mammalian species, which suggests that this missense change does not adversely affect protein function. ClinVar contains an entry for this variant (Variation ID: 949622). This variant is present in population databases (no rsID available, gnomAD 0.007%). This sequence change replaces lysine, which is basic and polar, with arginine, which is basic and polar, at codon 167 of the SGCE protein (p.Lys167Arg).

NM_003919.3(SGCE):c.500A>G (p.Lys167Arg)

Genes: CASD1 (CAS1 domain sialic acid O acetyltransferase 1; plus strand), SGCE (sarcoglycan epsilon; minus strand). Cytogenetic location: 7q21.3.
Variant type: single nucleotide variant.
Coding change: c.500A>G on transcript NM_003919.3 (MANE Select); coding-DNA position 500, A replaced by G.
Protein change: p.Lys167Arg; replaces lysine 167 with arginine.
Molecular consequence: missense variant.
Genome position (GRCh38, 1-based): chr7:94,618,920, T>C on the plus strand (A>G on the coding strand, the complement: SGCE is on the minus strand). VCF-style: chr7-94618920-T-C. GRCh37 (hg19) VCF-style: chr7-94248232-T-C.
Other names: c.500A>G, p.Lys167Arg (NM_001099400.2, NM_001099401.2, NM_001346717.2); c.377A>G, p.Lys126Arg (NM_001301139.2, NM_001362809.2); c.608A>G, p.Lys203Arg (NM_001346713.2, NM_001346715.2); c.413A>G, p.Lys138Arg (NM_001346719.2, NM_001362807.2); c.227A>G, p.Lys76Arg (NM_001346720.2, NM_001362808.2); short protein forms K76R, K167R, K126R, K138R, K203R.
Identifiers: ClinVar variation 949622 (VCV000949622.9), dbSNP rs779127500, ClinGen allele CA368235896.